The following is an entry in ClinVar:

NM_020822.3(KCNT1):c.3614C>G (p.Ala1205Gly)

Gene: KCNT1 (potassium sodium-activated channel subfamily T member 1; plus strand). Cytogenetic location: 9q34.3.
Variant type: single nucleotide variant.
Coding change: c.3614C>G on transcript NM_020822.3 (MANE Select); coding-DNA position 3614, C replaced by G.
Protein change: p.Ala1205Gly; replaces alanine 1205 with glycine.
Molecular consequence: missense variant.
Genome position (GRCh38, 1-based): chr9:135,792,067, C>G. VCF-style: chr9-135792067-C-G. GRCh37 (hg19) VCF-style: chr9-138683913-C-G.
Other names: c.3542C>G, p.Ala1181Gly (NM_001272003.2); short protein forms A1181G, A1205G.
Identifiers: ClinVar variation 2953116 (VCV002953116.3), dbSNP rs2491159884, ClinGen allele CA375494288.

ClinVar aggregate classification (germline): Uncertain significance (1 of 4 stars; one submission).

Conditions:
Autosomal dominant nocturnal frontal lobe epilepsy 5. Also called: Epilepsy, nocturnal frontal lobe, 5; KCNT1-Related Epilepsy; CILIARY DYSKINESIA, PRIMARY, 28, WITHOUT SITUS INVERSUS; CILIARY DYSKINESIA, PRIMARY, 28, WITH SITUS INVERSUS. Identifiers: Orphanet 98784, MedGen C3554306, MONDO:0014002, OMIM 615005.
Developmental and epileptic encephalopathy, 14 (DEE14). Also called: Early infantile epileptic encephalopathy 14. Identifiers: Orphanet 293181, MedGen C3554195, MONDO:0013989, OMIM 614959.

Submission:

Labcorp Genetics (formerly Invitae), Labcorp
Classification: Uncertain significance for Autosomal dominant nocturnal frontal lobe epilepsy 5; Developmental and epileptic encephalopathy, 14. Last evaluated: 2024-04-16. Review status: criteria provided, single submitter. Criteria: Invitae Variant Classification Sherloc (09022015). Collection method: clinical testing. Allele origin: germline.
Comment: This sequence change replaces alanine, which is neutral and non-polar, with glycine, which is neutral and non-polar, at codon 1205 of the KCNT1 protein (p.Ala1205Gly). This variant is not present in population databases (gnomAD no frequency). This variant has not been reported in the literature in individuals affected with KCNT1-related conditions. Advanced modeling of protein sequence and biophysical properties (such as structural, functional, and spatial information, amino acid conservation, physicochemical variation, residue mobility, and thermodynamic stability) performed at Invitae indicates that this missense variant is not expected to disrupt KCNT1 protein function with a negative predictive value of 80%. In summary, the available evidence is currently insufficient to determine the role of this variant in disease. Therefore, it has been classified as a Variant of Uncertain Significance.